The following is an entry in ClinVar:

NC_000002.11:g.(?_242680425)_(242684312_?)del

Gene: D2HGDH (D-2-hydroxyglutarate dehydrogenase; plus strand). Cytogenetic location: 2q37.3.
Variant type: Deletion.
Identifiers: ClinVar variation 2427419 (VCV002427419.4).

ClinVar aggregate classification (germline): Uncertain significance (1 of 4 stars; one submission).

Conditions:
D-2-hydroxyglutaric aciduria 1 (D2HGA1). Identifiers: Orphanet 79315, MedGen C3152055, MONDO:0024554, OMIM 600721.

Submission:

Labcorp Genetics (formerly Invitae), Labcorp
Classification: Uncertain significance for D-2-hydroxyglutaric aciduria 1. Last evaluated: 2022-03-03. Review status: criteria provided, single submitter. Criteria: Invitae Variant Classification Sherloc (09022015). Collection method: clinical testing. Allele origin: germline.
Comment: In summary, the available evidence is currently insufficient to determine the role of this variant in disease. Therefore, it has been classified as a Variant of Uncertain Significance. This variant disrupts a region of the D2HGDH protein in which other variant(s) (p.Gly233Ser) have been observed in individuals with D2HGDH-related conditions (Invitae). This suggests that this is a clinically significant region of the protein, and that variants that disrupt it are likely to be disease-causing. This variant has not been reported in the literature in individuals affected with D2HGDH-related conditions. This variant is a gross deletion of the genomic region encompassing exon(s) 3-6 of the D2HGDH gene. This variant would be expected to be in-frame, preserving the integrity of the reading frame.